The following is an entry in ClinVar:

NM_001205254.2(OCLN):c.458T>C (p.Leu153Ser)

Gene: OCLN (occludin; plus strand). Cytogenetic location: 5q13.2.
Variant type: single nucleotide variant.
Coding change: c.458T>C on transcript NM_001205254.2 (MANE Select); coding-DNA position 458, T replaced by C.
Protein change: p.Leu153Ser; replaces leucine 153 with serine.
Molecular consequence: missense variant. On other transcripts: intron variant (1).
Genome position (GRCh38, 1-based): chr5:69,509,548, T>C. VCF-style: chr5-69509548-T-C. GRCh37 (hg19) VCF-style: chr5-68805375-T-C.
Other names: c.458T>C, p.Leu153Ser (NM_001410743.1, NM_001438048.1, NM_001438604.1 and 1 more transcripts); c.-24-4400T>C (NM_001205255.2); short protein forms L153S.
Identifiers: ClinVar variation 1990345 (VCV001990345.4), dbSNP rs576758998, ClinGen allele CA3294447.

ClinVar aggregate classification (germline): Uncertain significance (1 of 4 stars; one submission).

Allele frequency attached by ClinVar (database versions not stated): gnomAD exomes below 0.00001; gnomAD 0.00002; ExAC 0.00003; TOPMed 0.00004; 1000 Genomes Project 30x 0.00016; 1000 Genomes Project 0.00020.
gnomAD v4.1: 10 of 1,614,222 alleles (0.00062%); highest among the groups gnomAD compares: East Asian, 0.022%; no homozygotes.

Submission:

Labcorp Genetics (formerly Invitae), Labcorp
Classification: Uncertain significance. Last evaluated: 2022-07-09. Review status: criteria provided, single submitter. Criteria: Invitae Variant Classification Sherloc (09022015). Collection method: clinical testing. Allele origin: germline.
Comment: In summary, the available evidence is currently insufficient to determine the role of this variant in disease. Therefore, it has been classified as a Variant of Uncertain Significance. Algorithms developed to predict the effect of missense changes on protein structure and function (SIFT, PolyPhen-2, Align-GVGD) all suggest that this variant is likely to be disruptive. This variant has not been reported in the literature in individuals affected with OCLN-related conditions. This variant is present in population databases (rs576758998, gnomAD 0.05%). This sequence change replaces leucine, which is neutral and non-polar, with serine, which is neutral and polar, at codon 153 of the OCLN protein (p.Leu153Ser).